The following is an entry in ClinVar:

NM_015338.6(ASXL1):c.3250A>G (p.Ser1084Gly)

Gene: ASXL1 (ASXL transcriptional regulator 1; plus strand). Cytogenetic location: 20q11.21.
Variant type: single nucleotide variant.
Coding change: c.3250A>G on transcript NM_015338.6 (MANE Select); coding-DNA position 3250, A replaced by G.
Protein change: p.Ser1084Gly; replaces serine 1084 with glycine.
Molecular consequence: missense variant.
Genome position (GRCh38, 1-based): chr20:32,435,962, A>G. VCF-style: chr20-32435962-A-G. GRCh37 (hg19) VCF-style: chr20-31023765-A-G.
Other names: c.3067A>G, p.Ser1023Gly (NM_001363734.1); short protein forms S1084G, S1023G.
Identifiers: ClinVar variation 3693317 (VCV003693317.3).
Genomic context (GRCh38, chr20:32,435,962, plus strand): 5'-AGCTGGGTGTCTCGAGTATGTGCGGTCCGCCAAAAGATCCCAGATTCCCTACTGCTGGCC[A>G]GTACTGAGTACCAGCCAAGAGCCGTGTGCCTGTCCATGCCTGGGTCCTCAGTGGAGGCCA-3'
Protein context (NP_056153.2, residues 1074-1094): QKIPDSLLLA[Ser1084Gly]TEYQPRAVCL

ClinVar aggregate classification (germline): Uncertain significance. Review status: criteria provided, multiple submitters, no conflicts (2 of 4 stars). 2 submissions from 2 submitters: Uncertain significance (2). Last evaluated 2025-01-03.

Conditions:
Inborn genetic diseases. Identifiers: MedGen C0950123, MeSH D030342.

Submissions (2):

Ambry Genetics
Classification: Uncertain significance for Inborn genetic diseases. Last evaluated: 2025-01-03. Review status: criteria provided, single submitter. Criteria: Ambry Variant Classification Scheme 2023. Collection method: clinical testing. Allele origin: germline.
Comment: The p.S1084G variant (also known as c.3250A>G), located in coding exon 13 of the ASXL1 gene, results from an A to G substitution at nucleotide position 3250. The serine at codon 1084 is replaced by glycine, an amino acid with similar properties. This amino acid position is conserved. In addition, this alteration is predicted to be tolerated by in silico analysis. Based on the available evidence, the clinical significance of this variant remains unclear.

Labcorp Genetics (formerly Invitae), Labcorp
Classification: Uncertain significance. Last evaluated: 2024-04-25. Review status: criteria provided, single submitter. Criteria: Invitae Variant Classification Sherloc (09022015). Collection method: clinical testing. Allele origin: germline.
Comment: This sequence change replaces serine, which is neutral and polar, with glycine, which is neutral and non-polar, at codon 1084 of the ASXL1 protein (p.Ser1084Gly). This variant is not present in population databases (gnomAD no frequency). This variant has not been reported in the literature in individuals affected with ASXL1-related conditions. An algorithm developed to predict the effect of missense changes on protein structure and function (PolyPhen-2) suggests that this variant is likely to be tolerated. In summary, the available evidence is currently insufficient to determine the role of this variant in disease. Therefore, it has been classified as a Variant of Uncertain Significance.